The following is an entry in ClinVar:

ClinVar aggregate classification (germline): Uncertain significance (1 of 4 stars; one submission).

Conditions:
Intellectual developmental disorder, autosomal dominant 1. Also called: Intellectual disability, autosomal dominant 1; MBD5 Haploinsufficiency. Identifiers: Orphanet 228402, MedGen C1969562, MONDO:0007974, OMIM 156200.

Allele frequency attached by ClinVar (database versions not stated): gnomAD exomes below 0.00001; ExAC 0.00002.
gnomAD v4.1: 3 of 1,614,104 alleles (0.00019%); highest among the groups gnomAD compares: Admixed American, 0.0033%; no homozygotes.

Submission:

Labcorp Genetics (formerly Invitae), Labcorp
Classification: Uncertain significance for Intellectual developmental disorder, autosomal dominant 1. Last evaluated: 2024-05-06. Review status: criteria provided, single submitter. Criteria: Invitae Variant Classification Sherloc (09022015). Collection method: clinical testing. Allele origin: germline.
Comment: This sequence change replaces asparagine, which is neutral and polar, with serine, which is neutral and polar, at codon 1007 of the MBD5 protein (p.Asn1007Ser). This variant is present in population databases (rs767692391, gnomAD 0.006%). This variant has not been reported in the literature in individuals affected with MBD5-related conditions. ClinVar contains an entry for this variant (Variation ID: 2415127). Advanced modeling of protein sequence and biophysical properties (such as structural, functional, and spatial information, amino acid conservation, physicochemical variation, residue mobility, and thermodynamic stability) performed at Invitae indicates that this missense variant is not expected to disrupt MBD5 protein function with a negative predictive value of 80%. In summary, the available evidence is currently insufficient to determine the role of this variant in disease. Therefore, it has been classified as a Variant of Uncertain Significance.

NM_001378120.1(MBD5):c.3719A>G (p.Asn1240Ser)

Gene: MBD5 (methyl-CpG binding domain protein 5; plus strand). Cytogenetic location: 2q23.1.
Variant type: single nucleotide variant.
Coding change: c.3719A>G on transcript NM_001378120.1 (MANE Select); coding-DNA position 3719, A replaced by G.
Protein change: p.Asn1240Ser; replaces asparagine 1240 with serine.
Molecular consequence: missense variant.
Genome position (GRCh38, 1-based): chr2:148,485,916, A>G. VCF-style: chr2-148485916-A-G. GRCh37 (hg19) VCF-style: chr2-149243485-A-G.
Other names: c.3020A>G, p.Asn1007Ser (NM_018328.5); short protein forms N1007S, N1240S.
Identifiers: ClinVar variation 2415127 (VCV002415127.5), dbSNP rs767692391, ClinGen allele CA1900308.
Genomic context (GRCh38, chr2:148,485,916, plus strand): 5'-AGGGGTACCAGAATCTCCAGGCGTTCCAAGGACAGTCCACAATTCCTTGCCCAGCTAACA[A>G]TAACCCCATGGCTTGTCTGTTTCAGAACTTTCAGGTACTCTCCTCTGCTGTGTCATTTTA-3'
Protein context (NP_001365049.1, residues 1230-1250): GQSTIPCPAN[Asn1240Ser]NPMACLFQNF